The following is an entry in ClinVar:

ClinVar aggregate classification (germline): Uncertain significance (1 of 4 stars; one submission).

Conditions:
Myofibrillar myopathy 5. Also called: FILAMINOPATHY, AUTOSOMAL DOMINANT; Filaminopathy (type). Identifiers: Orphanet 171445, MedGen C1836050, MONDO:0012289, OMIM 609524.
Distal myopathy with posterior leg and anterior hand involvement. Also called: WILLIAMS DISTAL MYOPATHY. Identifiers: Orphanet 63273, MedGen C3279722, MONDO:0013550, OMIM 614065.
Hypertrophic cardiomyopathy 26. Also called: Cardiomyopathy, familial hypertrophic, 26. Identifiers: Orphanet 75249, MedGen C4310749, MONDO:0014883, OMIM 617047.

Allele frequency attached by ClinVar (database versions not stated): gnomAD exomes below 0.00001.
gnomAD v4.1: 1 of 1,614,232 alleles (0.000062%); highest among the groups gnomAD compares: Non-Finnish European, 0.000085%; no homozygotes.

Submission:

Labcorp Genetics (formerly Invitae), Labcorp
Classification: Uncertain significance for Distal myopathy with posterior leg and anterior hand involvement; Myofibrillar myopathy 5; Hypertrophic cardiomyopathy 26. Last evaluated: 2021-10-04. Review status: criteria provided, single submitter. Criteria: Invitae Variant Classification Sherloc (09022015). Collection method: clinical testing. Allele origin: germline.
Comment: In summary, the available evidence is currently insufficient to determine the role of this variant in disease. Therefore, it has been classified as a Variant of Uncertain Significance. Algorithms developed to predict the effect of missense changes on protein structure and function (SIFT, PolyPhen-2, Align-GVGD) all suggest that this variant is likely to be tolerated. This variant has not been reported in the literature in individuals affected with FLNC-related conditions. This variant is not present in population databases (ExAC no frequency). This sequence change replaces alanine with threonine at codon 2502 of the FLNC protein (p.Ala2502Thr). The alanine residue is moderately conserved and there is a small physicochemical difference between alanine and threonine.

NM_001458.5(FLNC):c.7504G>A (p.Ala2502Thr)

Genes: FLNC-AS1 (FLNC antisense RNA 1; minus strand), FLNC (filamin C; plus strand). Cytogenetic location: 7q32.1.
Variant type: single nucleotide variant.
Coding change: c.7504G>A on transcript NM_001458.5 (MANE Select); coding-DNA position 7504, G replaced by A.
Protein change: p.Ala2502Thr; replaces alanine 2502 with threonine.
Molecular consequence: missense variant.
Genome position (GRCh38, 1-based): chr7:128,856,864, G>A. VCF-style: chr7-128856864-G-A. GRCh37 (hg19) VCF-style: chr7-128496918-G-A.
Other names: c.7405G>A, p.Ala2469Thr (NM_001127487.2); short protein forms A2469T, A2502T.
Identifiers: ClinVar variation 1419000 (VCV001419000.6), dbSNP rs2128940257, ClinGen allele CA369218682.